The following is an entry in ClinVar:

ClinVar aggregate classification (germline): Uncertain significance. Review status: criteria provided, multiple submitters, no conflicts (2 of 4 stars). 2 submissions from 2 submitters: Uncertain significance (2). Last evaluated 2025-11-06.

Conditions:
Cardiovascular phenotype. Identifiers: MedGen CN230736.

Allele frequency attached by ClinVar (database versions not stated): TOPMed below 0.00001; gnomAD 0.00001 and 0.00005; ExAC 0.00002; gnomAD exomes 0.00002; 1000 Genomes Project 30x 0.00047; 1000 Genomes Project 0.00060.
gnomAD v4.1: 109 of 1,611,676 alleles (0.0068%); highest among the groups gnomAD compares: East Asian, 0.24%; 1 homozygote.

Submissions (2):

Labcorp Genetics (formerly Invitae), Labcorp
Classification: Uncertain significance. Last evaluated: 2025-11-06. Review status: criteria provided, single submitter. Criteria: Invitae Variant Classification Sherloc (09022015). Collection method: clinical testing. Allele origin: germline.
Comment: This sequence change replaces histidine, which is basic and polar, with aspartic acid, which is acidic and polar, at codon 106 of the TNNI3K protein (p.His106Asp). This variant is present in population databases (rs142238660, gnomAD 0.02%). This variant has not been reported in the literature in individuals affected with TNNI3K-related conditions. ClinVar contains an entry for this variant (Variation ID: 1400212). Invitae Evidence Modeling of protein sequence and biophysical properties (such as structural, functional, and spatial information, amino acid conservation, physicochemical variation, residue mobility, and thermodynamic stability) has been performed for this missense variant. However, the output from this modeling did not meet the statistical confidence thresholds required to predict the impact of this variant on TNNI3K protein function. In summary, the available evidence is currently insufficient to determine the role of this variant in disease. Therefore, it has been classified as a Variant of Uncertain Significance.

Molecular Diagnostic Laboratory for Inherited Cardiovascular Disease, Montreal Heart Institute
Classification: Uncertain significance for Cardiovascular phenotype. Last evaluated: 2025-04-09. Review status: criteria provided, single submitter. Criteria: ACMG Guidelines, 2015. Collection method: clinical testing. Allele origin: germline. Affected: yes.

NM_015978.3(TNNI3K):c.316C>G (p.His106Asp)

Genes: FPGT-TNNI3K (FPGT-TNNI3K readthrough; plus strand), TNNI3K (TNNI3 interacting kinase; plus strand). Cytogenetic location: 1p31.1.
Variant type: single nucleotide variant.
Coding change: c.316C>G on transcript NM_015978.3 (MANE Select); coding-DNA position 316, C replaced by G.
Protein change: p.His106Asp; replaces histidine 106 with aspartic acid.
Molecular consequence: missense variant.
Genome position (GRCh38, 1-based): chr1:74,250,752, C>G. VCF-style: chr1-74250752-C-G. GRCh37 (hg19) VCF-style: chr1-74716436-C-G.
Other names: c.619C>G, p.His207Asp (NM_001112808.3, NM_001199327.2); c.316C>G (NM_015978.2); short protein forms H207D, H106D.
Identifiers: ClinVar variation 1400212 (VCV001400212.9), dbSNP rs142238660, ClinGen allele CA908849.